The following is an entry in ClinVar:

NM_001244008.2(KIF1A):c.4734C>T (p.Ser1578=)

Gene: KIF1A (kinesin family member 1A; minus strand). Cytogenetic location: 2q37.3.
Variant type: single nucleotide variant.
Coding change: c.4734C>T on transcript NM_001244008.2 (MANE Select); coding-DNA position 4734, C replaced by T.
Protein change: p.Ser1578=; no amino-acid change (serine 1578 retained).
Molecular consequence: synonymous variant.
Genome position (GRCh38, 1-based): chr2:240,721,816, G>A on the plus strand (C>T on the coding strand, the complement: KIF1A is on the minus strand). VCF-style: chr2-240721816-G-A. GRCh37 (hg19) VCF-style: chr2-241661233-G-A.
Other names: c.4734C>T (NM_001244008.1); c.4458C>T, p.Ser1486= (NM_001320705.2, NM_001379649.1); c.4485C>T, p.Ser1495= (NM_001330289.2); c.4533C>T, p.Ser1511= (NM_001330290.2, NM_001379648.1); c.4809C>T, p.Ser1603= (NM_001379631.1); c.4710C>T, p.Ser1570= (NM_001379632.1); c.4707C>T, p.Ser1569= (NM_001379633.1, NM_001379645.1); c.4560C>T, p.Ser1520= (NM_001379634.1); and 8 more.
Identifiers: ClinVar variation 464255 (VCV000464255.15), dbSNP rs766419471, ClinGen allele CA2207337.

ClinVar aggregate classification (germline): Conflicting classifications of pathogenicity. Review status: criteria provided, conflicting classifications (1 of 4 stars). 4 submissions from 4 submitters: Uncertain significance (1); Likely benign (3). Last evaluated 2026-07-18.

Conditions:
KIF1A-related disorder. Also called: KIF1A-related disorders; KIF1A-related condition.
Inborn genetic diseases. Identifiers: MedGen C0950123, MeSH D030342.
Neuropathy, hereditary sensory, type 2C. Also called: Hereditary sensory and autonomic neuropathy type IIC; KIF1A-Related HSAN2 (HSAN2C). Identifiers: Orphanet 970, MedGen C3280168, MONDO:0013634, OMIM 614213.
Hereditary spastic paraplegia 30. Identifiers: Orphanet 101010, MedGen C5235139, MONDO:0012476.
Intellectual disability, autosomal dominant 9 (NESCAVS). Also called: KIF1A-Related Neurodevelopmental Disorder; NESCAV SYNDROME. Identifiers: Orphanet 662367, MedGen C5393830, MONDO:0013656, OMIM 614255.

Allele frequency attached by ClinVar (database versions not stated): TOPMed 0.00005; gnomAD 0.00006 and 0.00007; gnomAD exomes 0.00010; ExAC 0.00016.
gnomAD v4.1: 67 of 1,604,606 alleles (0.0042%); highest among the groups gnomAD compares: South Asian, 0.014%; no homozygotes.

Submissions (4):

PreventionGenetics, part of Exact Sciences
Classification: Likely benign for KIF1A-related condition. Last evaluated: 2026-07-18. Review status: criteria provided, single submitter. Criteria: ACMG Guidelines, 2015. Collection method: clinical testing. Allele origin: germline.
Comment: This variant is classified as likely benign based on ACMG/AMP sequence variant interpretation guidelines (Richards et al. 2015 PMID: 25741868, with internal and published modifications).

Labcorp Genetics (formerly Invitae), Labcorp
Classification: Likely benign for Hereditary spastic paraplegia 30; Neuropathy, hereditary sensory, type 2C; Intellectual disability, autosomal dominant 9. Last evaluated: 2025-10-20. Review status: criteria provided, single submitter. Criteria: Invitae Variant Classification Sherloc (09022015). Collection method: clinical testing. Allele origin: germline.

Blueprint Genetics
Classification: Uncertain significance. Last evaluated: 2021-12-21. Review status: criteria provided, single submitter. Criteria: ACMG Guidelines, 2015. Collection method: clinical testing. Allele origin: germline.

Ambry Genetics
Classification: Likely benign for Inborn genetic diseases. Last evaluated: 2019-07-11. Review status: criteria provided, single submitter. Criteria: Ambry Variant Classification Scheme 2023. Collection method: clinical testing. Allele origin: germline.